The following is an entry in ClinVar:

NM_006258.4(PRKG1):c.113T>A (p.Leu38Gln)

Gene: PRKG1 (protein kinase cGMP-dependent 1; plus strand). Cytogenetic location: 10q11.23.
Variant type: single nucleotide variant.
Coding change: c.113T>A on transcript NM_006258.4 (MANE Select); coding-DNA position 113, T replaced by A.
Protein change: p.Leu38Gln; replaces leucine 38 with glutamine.
Molecular consequence: missense variant. On other transcripts: intron variant (1).
Genome position (GRCh38, 1-based): chr10:51,074,703, T>A. VCF-style: chr10-51074703-T-A. GRCh37 (hg19) VCF-style: chr10-52834463-T-A.
Other names: c.113T>A, p.Leu38Gln (NM_001374782.1); c.267-78461T>A (NM_001098512.3); short protein forms L38Q.
Identifiers: ClinVar variation 2900982 (VCV002900982.3), dbSNP rs370238413, ClinGen allele CA5503065.

ClinVar aggregate classification (germline): Uncertain significance (1 of 4 stars; one submission).

Conditions:
Aortic aneurysm, familial thoracic 8 (AAT8). Identifiers: MedGen C3809513, MONDO:0014187, OMIM 615436.

Allele frequency attached by ClinVar (database versions not stated): ExAC 0.00002; ESP Exome Variant Server 0.00008.

Submission:

Labcorp Genetics (formerly Invitae), Labcorp
Classification: Uncertain significance for Aortic aneurysm, familial thoracic 8. Last evaluated: 2023-04-06. Review status: criteria provided, single submitter. Criteria: Invitae Variant Classification Sherloc (09022015). Collection method: clinical testing. Allele origin: germline.
Comment: In summary, the available evidence is currently insufficient to determine the role of this variant in disease. Therefore, it has been classified as a Variant of Uncertain Significance. An algorithm developed to predict the effect of missense changes on protein structure and function (PolyPhen-2) suggests that this variant is likely to be tolerated. This variant has not been reported in the literature in individuals affected with PRKG1-related conditions. This variant is present in population databases (rs370238413, gnomAD 0.002%). This sequence change replaces leucine, which is neutral and non-polar, with glutamine, which is neutral and polar, at codon 38 of the PRKG1 protein (p.Leu38Gln).